The following is an entry in ClinVar:

ClinVar aggregate classification (germline): Likely benign. Review status: criteria provided, single submitter (1 of 4 stars). 2 submissions from 2 submitters: Likely benign (1). 1 of the submissions does not count toward it. Last evaluated 2024-09-20.

Conditions:
PPP2CA-related disorder. Also called: PPP2CA-related condition.

Allele frequency attached by ClinVar (database versions not stated): ESP Exome Variant Server 0.00008; TOPMed 0.00008; gnomAD exomes 0.00014; ExAC 0.00015; gnomAD 0.00015.

Submissions (2):

Blueprint Genetics
Classification: Likely benign. Last evaluated: 2024-09-20. Review status: criteria provided, single submitter. Criteria: ACMG Guidelines, 2015. Collection method: clinical testing. Allele origin: germline.

PreventionGenetics, part of Exact Sciences
Classification: Likely benign for PPP2CA-related condition. Last evaluated: 2019-05-28. Review status: no assertion criteria provided. Collection method: clinical testing. Allele origin: germline. Not counted in ClinVar's aggregate classification.
Comment: This variant is classified as likely benign based on ACMG/AMP sequence variant interpretation guidelines (Richards et al. 2015 PMID: 25741868, with internal and published modifications).

NM_002715.4(PPP2CA):c.*5_*6del

Gene: PPP2CA (protein phosphatase 2 catalytic subunit alpha; minus strand). Cytogenetic location: 5q31.1.
Variant type: Deletion.
Coding change: c.*5_*6del on transcript NM_002715.4 (MANE Select); 5 bases downstream of the stop codon through 6 bases downstream of the stop codon, 2 bases deleted (AT; older notation c.*5_*6delAT).
Molecular consequence: 3 prime UTR variant. On other transcripts: non-coding transcript variant (1).
Genome position (GRCh38, 1-based): chr5:134,197,766-134,197,767, AT deleted on the plus strand (AT on the coding strand, the reverse complement: PPP2CA is on the minus strand). VCF-style (leftmost placement, unchanged base first): chr5-134197765-AAT-A. GRCh37 (hg19) VCF-style: chr5-133533456-AAT-A.
Other names: c.*5_*6del (NM_001355019.2).
Identifiers: ClinVar variation 3039371 (VCV003039371.3), dbSNP rs761339885, ClinGen allele CA3412736.